The following is an entry in ClinVar:

NM_032588.4(TRIM63):c.437_442delinsCC (p.Lys146fs)

Gene: TRIM63 (tripartite motif containing 63; minus strand). Cytogenetic location: 1p36.11.
Variant type: Indel.
Coding change: c.437_442delinsCC on transcript NM_032588.4 (MANE Select); coding-DNA positions 437 to 442, AGGTGT replaced by CC.
Protein change: p.Lys146fs; shifts the reading frame from lysine 146.
Molecular consequence: frameshift variant.
Genome position (GRCh38, 1-based): chr1:26,061,225-26,061,230, ACACCT replaced by GG on the plus strand (AGGTGT replaced by CC on the coding strand, the reverse complement: TRIM63 is on the minus strand). VCF-style: chr1-26061225-ACACCT-GG. GRCh37 (hg19) VCF-style: chr1-26387716-ACACCT-GG.
Other names: short protein forms K146fs.
Identifiers: ClinVar variation 3237389 (VCV003237389.2), dbSNP rs2522760535.

ClinVar aggregate classification (germline): Uncertain significance. Review status: criteria provided, single submitter (1 of 4 stars). 2 submissions from 2 submitters: Uncertain significance (1). 1 of the submissions does not count toward it. Last evaluated 2024-04-04.

Conditions:
Cardiomyopathy, familial hypertrophic, 31. Identifiers: MedGen C6012754, MONDO:0979573, OMIM 621270.

Submissions (2):

Clinical Genomics Laboratory, Washington University in St. Louis
Classification: Uncertain significance. Last evaluated: 2024-04-04. Review status: criteria provided, single submitter. Criteria: ACMG Guidelines, 2015. Collection method: clinical testing. Allele origin: germline.
Comment: The TRIM63 c.437_442delinsCC (p.Lys146Thrfs*24) variant was identified. This variant represents a deletion of four nucleotides directly followed by a two nucleotide substitution, resulting in frameshift and ultimately premature termination that is predicted to lead to nonsense-mediated decay. The TRIM63 c.437_442delinsCC (p.Lys146Thrfs*24) variant has been observed in two unrelated individuals with hypertrophic cardiomyopathy, one in the homozygous state and the other in a compound heterozygous state (Salazar-Mendiguch√≠a, J et al,. PMID: 32451364). This variant is absent from the general population (gnomAD v.2.1.1). Due to limited information, the clinical significance of this variant is uncertain at this time.

OMIM
Classification: Pathogenic for CARDIOMYOPATHY, FAMILIAL HYPERTROPHIC, 31. Last evaluated: 2025-07-18. Review status: no assertion criteria provided. Collection method: literature only. Allele origin: germline. Not counted in ClinVar's aggregate classification.

Literature cited by the submitters: PubMed 32451364 (cited by OMIM).